The following is an entry in ClinVar:

ClinVar aggregate classification (germline): Benign/Likely benign. Review status: criteria provided, multiple submitters, no conflicts (2 of 4 stars). 3 submissions from 3 submitters: Benign (1); Likely benign (2). Last evaluated 2026-01-04.

Conditions:
Left ventricular noncompaction 1 (LVNC1). Also called: LEFT VENTRICULAR NONCOMPACTION 1 WITH OR WITHOUT CONGENITAL HEART DEFECTS. Identifiers: Orphanet 54260, MedGen C1858725, MONDO:0011403, OMIM 604169.

Allele frequency attached by ClinVar (database versions not stated): gnomAD 0.00005; gnomAD exomes 0.00006 and 0.00014; TOPMed 0.00007; ESP Exome Variant Server 0.00008; ExAC 0.00012.
gnomAD v4.1: 97 of 1,613,818 alleles (0.006%); highest among the groups gnomAD compares: Non-Finnish European, 0.0014%; no homozygotes.

Submissions (3):

Labcorp Genetics (formerly Invitae), Labcorp
Classification: Likely benign for Left ventricular noncompaction 1. Last evaluated: 2026-01-04. Review status: criteria provided, single submitter. Criteria: Invitae Variant Classification Sherloc (09022015). Collection method: clinical testing. Allele origin: germline.

Blueprint Genetics
Classification: Likely benign. Last evaluated: 2023-12-27. Review status: criteria provided, single submitter. Criteria: ACMG Guidelines, 2015. Collection method: clinical testing. Allele origin: germline.

GeneDx
Classification: Benign. Last evaluated: 2016-07-06. Review status: criteria provided, single submitter. Criteria: GeneDx Variant Classification (06012015). Collection method: clinical testing. Allele origin: germline. Affected: yes.
Comment: This variant is considered likely benign or benign based on one or more of the following criteria: it is a conservative change, it occurs at a poorly conserved position in the protein, it is predicted to be benign by multiple in silico algorithms, and/or has population frequency not consistent with disease.

NM_001386795.1(DTNA):c.1002-6T>C

Gene: DTNA (dystrobrevin alpha; plus strand). Cytogenetic location: 18q12.1.
Variant type: single nucleotide variant.
Coding change: c.1002-6T>C on transcript NM_001386795.1 (MANE Select); 6 bases into the intron before coding-DNA position 1002, T replaced by C.
Molecular consequence: intron variant.
Genome position (GRCh38, 1-based): chr18:34,827,587, T>C. VCF-style: chr18-34827587-T-C. GRCh37 (hg19) VCF-style: chr18-32407551-T-C.
Other names: c.1011-6T>C (NM_032975.4, NM_001386761.1, NM_001386762.1 and 5 more transcripts); c.1002-6T>C (NM_001386754.1, NM_001386755.1, NM_001386760.1 and 26 more transcripts); c.603+15474T>C (NM_001198945.2); c.252-6T>C (NM_001198943.1); c.48-6T>C (NM_001198942.1, NM_001198944.1, NM_032980.4 and 1 more transcripts).
Identifiers: ClinVar variation 241726 (VCV000241726.11), dbSNP rs200208281, ClinGen allele CA8935562.